The following is an entry in ClinVar:

ClinVar aggregate classification (germline): Uncertain significance. Review status: criteria provided, multiple submitters, no conflicts (2 of 4 stars). 2 submissions from 2 submitters: Uncertain significance (2). Last evaluated 2026-05-04.

Conditions:
MYH9-related disorder. Identifiers: MedGen C1854520.

Allele frequency attached by ClinVar (database versions not stated): gnomAD 0.00001; gnomAD exomes 0.00001 and below 0.00001; TOPMed 0.00001.

Submissions (2):

Women's Health and Genetics/Laboratory Corporation of America, LabCorp
Classification: Uncertain significance. Last evaluated: 2026-05-04. Review status: criteria provided, single submitter. Criteria: LabCorp Variant Classification Summary - May 2015. Collection method: clinical testing. Allele origin: germline.
Comment: Variant summary: MYH9 c.2290C>T (p.Arg764Cys) results in a non-conservative amino acid change in the encoded protein sequence. Algorithms developed to predict the effect of missense changes on protein structure and function all suggest that this variant is likely to be disruptive. The variant allele was found at a frequency of 8e-06 in 251316 control chromosomes. The available data on variant occurrences in the general population are insufficient to allow any conclusion about variant significance. To our knowledge, no occurrence of c.2290C>T in individuals affected with MYH9-related conditions and no experimental evidence demonstrating its impact on protein function have been reported. ClinVar contains an entry for this variant (Variation ID: 684486). Based on the evidence outlined above, the variant was classified as uncertain significance.

Labcorp Genetics (formerly Invitae), Labcorp
Classification: Uncertain significance. Last evaluated: 2026-01-31. Review status: criteria provided, single submitter. Criteria: Invitae Variant Classification Sherloc (09022015). Collection method: clinical testing. Allele origin: germline.
Comment: This sequence change replaces arginine, which is basic and polar, with cysteine, which is neutral and slightly polar, at codon 764 of the MYH9 protein (p.Arg764Cys). This variant is present in population databases (no rsID available, gnomAD 0.0009%). This variant has not been reported in the literature in individuals affected with MYH9-related conditions. ClinVar contains an entry for this variant (Variation ID: 684486). Invitae Evidence Modeling of protein sequence and biophysical properties (such as structural, functional, and spatial information, amino acid conservation, physicochemical variation, residue mobility, and thermodynamic stability) indicates that this missense variant is expected to disrupt MYH9 protein function with a positive predictive value of 95%. In summary, the available evidence is currently insufficient to determine the role of this variant in disease. Therefore, it has been classified as a Variant of Uncertain Significance.

NM_002473.6(MYH9):c.2290C>T (p.Arg764Cys)

Gene: MYH9 (myosin heavy chain 9; minus strand). Cytogenetic location: 22q12.3.
Variant type: single nucleotide variant.
Coding change: c.2290C>T on transcript NM_002473.6 (MANE Select); coding-DNA position 2290, C replaced by T.
Protein change: p.Arg764Cys; replaces arginine 764 with cysteine.
Molecular consequence: missense variant.
Genome position (GRCh38, 1-based): chr22:36,304,095, G>A on the plus strand (C>T on the coding strand, the complement: MYH9 is on the minus strand). VCF-style: chr22-36304095-G-A. GRCh37 (hg19) VCF-style: chr22-36700141-G-A.
Other names: short protein forms R764C.
Identifiers: ClinVar variation 684486 (VCV000684486.4), dbSNP rs1383986403, ClinGen allele CA411396497.